The following is an entry in ClinVar:

GRCh38/hg38 4p16.3(chr4:235557-571069)x3

Genes: MIR571 (microRNA 571; plus strand), PIGG (phosphatidylinositol glycan anchor biosynthesis class G (EMM blood group); plus strand), ZNF141 (zinc finger protein 141; plus strand), ZNF721 (zinc finger protein 721; minus strand), ZNF732 (zinc finger protein 732; minus strand) and 4 more. Cytogenetic location: 4p16.3.
Variant type: copy number gain.
Change: copy number 3 (three copies instead of two) of chr4:235,557-571,069 (335.5 kb, GRCh38 coordinates, 1-based), cytogenetic band 4p16.3.
Identifiers: ClinVar variation 4796094 (VCV004796094.1).

ClinVar aggregate classification (germline): Uncertain significance (1 of 4 stars; one submission).

Submission:

Medical Genetic Center, Changzhi Maternal and Child Health Care Hospital
Classification: Uncertain significance. Last evaluated: 2025-12-10. Review status: criteria provided, single submitter. Criteria: ACMG/ClinGen CNV Guidelines, 2019. Collection method: clinical testing. Allele origin: unknown.
Comment: 1A(0)+3A(0):ZNF141 and PIGG duplcaiton